The following is an entry in ClinVar:

NM_000268.4(NF2):c.1168A>C (p.Ile390Leu)

Gene: NF2 (NF2, moesin-ezrin-radixin like (MERLIN) tumor suppressor; plus strand). Cytogenetic location: 22q12.2.
Variant type: single nucleotide variant.
Coding change: c.1168A>C on transcript NM_000268.4 (MANE Select); coding-DNA position 1168, A replaced by C.
Protein change: p.Ile390Leu; replaces isoleucine 390 with leucine.
Molecular consequence: missense variant. On other transcripts: intron variant (1).
Genome position (GRCh38, 1-based): chr22:29,673,314, A>C. VCF-style: chr22-29673314-A-C. GRCh37 (hg19) VCF-style: chr22-30069303-A-C.
Other names: c.1054A>C, p.Ile352Leu (NM_001407053.1, NM_001407056.1); c.1045A>C, p.Ile349Leu (NM_001407054.1, NM_001407058.1, NM_181829.3); c.1042A>C, p.Ile348Leu (NM_001407055.1, NM_181828.3); c.1033A>C, p.Ile345Leu (NM_001407057.1, NM_001407059.1); c.1168A>C, p.Ile390Leu (NM_001407060.1, NM_001407066.1, NM_016418.5 and 2 more transcripts); c.910A>C, p.Ile304Leu (NM_001407062.1); c.919A>C, p.Ile307Leu (NM_001407063.1, NM_001407064.1, NM_181830.3 and 1 more transcripts); c.634A>C, p.Ile212Leu (NM_001407065.1); and 2 more; short protein forms I212L, I304L, I307L, I313L, I345L, I348L, I349L, I352L.
Identifiers: ClinVar variation 3231073 (VCV003231073.1), dbSNP rs2518679599, ClinGen allele CA411148056.
Genomic context (GRCh38, chr22:29,673,314, plus strand): 5'-CACTGTGCCCTCCAGATGCGGTCTGAGGAGACAGCTGACCTGTTGGCTGAAAAGGCCCAG[A>C]TCACCGAGGAGGAGGCAAAACTTCTGGCCCAGAAGGCCGCAGAGGCTGAGCAGGAAATGC-3'
Protein context (NP_000259.1, residues 380-400): TADLLAEKAQ[Ile390Leu]TEEEAKLLAQ

ClinVar aggregate classification (germline): Uncertain significance (1 of 4 stars; one submission).

Conditions:
Hereditary cancer-predisposing syndrome. Also called: Neoplastic Syndromes, Hereditary; Tumor predisposition; Hereditary neoplastic syndrome; Hereditary Cancer Syndrome. Identifiers: Orphanet 140162, MedGen C0027672, MeSH D009386, MONDO:0015356.

Submission:

Ambry Genetics
Classification: Uncertain significance for Hereditary cancer-predisposing syndrome. Last evaluated: 2023-10-22. Review status: criteria provided, single submitter. Criteria: Ambry Variant Classification Scheme 2023. Collection method: clinical testing. Allele origin: germline.
Comment: The p.I390L variant (also known as c.1168A>C), located in coding exon 12 of the NF2 gene, results from an A to C substitution at nucleotide position 1168. The isoleucine at codon 390 is replaced by leucine, an amino acid with highly similar properties. This amino acid position is conserved. In addition, the in silico prediction for this alteration is inconclusive. Since supporting evidence is limited at this time, the clinical significance of this alteration remains unclear.